The following is an entry in ClinVar:

Single allele

Gene: LAMA2 (laminin subunit alpha 2; plus strand). Cytogenetic location: 6q22.33.
Variant type: Deletion.
Identifiers: ClinVar variation 190034 (VCV000190034.2).

ClinVar aggregate classification (germline): Likely pathogenic (0 of 4 stars; one submission).

Conditions:
Charcot-Marie-Tooth disease. Also called: Charcot-Marie-Tooth Hereditary Neuropathy; Charcot-Marie-Tooth Neuropathy. Identifiers: Orphanet 166, MedGen C0007959, MONDO:0015626.

Submission:

Dept. of Medical Genetics, Telemark Hospital Trust, Telemark Hospital Trust
Classification: Likely pathogenic for Charcot-Marie-Tooth disease. Last evaluated: 2014-10-01. Review status: no assertion criteria provided. Criteria: research. Collection method: research. Allele origin: unknown. Affected: yes. Study: Charcot-Marie-Tooth disease study.
Comment: Populational based study of Charcot-Marie-Tooth disease in Norway

Literature cited by the submitters: PubMed 25648254; PMC 4306395.